The following is an entry in ClinVar:

ClinVar aggregate classification (germline): Uncertain significance. Review status: criteria provided, multiple submitters, no conflicts (2 of 4 stars). 2 submissions from 2 submitters: Uncertain significance (2). Last evaluated 2025-12-20.

Conditions:
Cardiovascular phenotype. Identifiers: MedGen CN230736.
Long QT syndrome (LQTS). Identifiers: MedGen C0023976, MeSH D008133, MONDO:0002442. Disease mechanism: loss of function. Inheritance: Various modes of inheritance.

gnomAD v4.1: 2 of 1,613,988 alleles (0.00012%); highest among the groups gnomAD compares: African/African-American, 0.0013%; no homozygotes.

Submissions (2):

Labcorp Genetics (formerly Invitae), Labcorp
Classification: Uncertain significance for Long QT syndrome. Last evaluated: 2025-12-20. Review status: criteria provided, single submitter. Criteria: Invitae Variant Classification Sherloc (09022015). Collection method: clinical testing. Allele origin: germline.
Comment: This sequence change replaces methionine, which is neutral and non-polar, with valine, which is neutral and non-polar, at codon 3743 of the AKAP9 protein (p.Met3743Val). This variant is not present in population databases (gnomAD no frequency). This variant has not been reported in the literature in individuals affected with AKAP9-related conditions. ClinVar contains an entry for this variant (Variation ID: 3849712). An algorithm developed to predict the effect of missense changes on protein structure and function (PolyPhen-2) suggests that this variant is likely to be tolerated. In summary, the available evidence is currently insufficient to determine the role of this variant in disease. Therefore, it has been classified as a Variant of Uncertain Significance.

Ambry Genetics
Classification: Uncertain significance for Cardiovascular phenotype. Last evaluated: 2025-02-15. Review status: criteria provided, single submitter. Criteria: Ambry Variant Classification Scheme 2023. Collection method: clinical testing. Allele origin: germline.
Comment: The p.M3743V variant (also known as c.11227A>G), located in coding exon 46 of the AKAP9 gene, results from an A to G substitution at nucleotide position 11227. The methionine at codon 3743 is replaced by valine, an amino acid with highly similar properties. This amino acid position is conserved. In addition, the in silico prediction for this alteration is inconclusive. Based on the available evidence, the clinical significance of this variant remains unclear.

NM_005751.5(AKAP9):c.11227A>G (p.Met3743Val)

Gene: AKAP9 (A-kinase anchoring protein 9; plus strand). Cytogenetic location: 7q21.2.
Variant type: single nucleotide variant.
Coding change: c.11227A>G on transcript NM_005751.5 (MANE Select); coding-DNA position 11227, A replaced by G.
Protein change: p.Met3743Val; replaces methionine 3743 with valine.
Molecular consequence: missense variant.
Genome position (GRCh38, 1-based): chr7:92,102,723, A>G. VCF-style: chr7-92102723-A-G. GRCh37 (hg19) VCF-style: chr7-91732037-A-G.
Other names: c.5872A>G, p.Met1958Val (NM_001379277.1); c.11203A>G, p.Met3735Val (NM_147185.3); short protein forms M1958V, M3743V, M3735V.
Identifiers: ClinVar variation 3849712 (VCV003849712.2).